The following is an entry in ClinVar:

NM_139343.3(BIN1):c.1674+56G>A

Gene: BIN1 (bridging integrator 1; minus strand). Cytogenetic location: 2q14.3.
Variant type: single nucleotide variant.
Coding change: c.1674+56G>A on transcript NM_139343.3 (MANE Select); 56 bases into the intron after coding-DNA position 1674, G replaced by A.
Molecular consequence: intron variant.
Genome position (GRCh38, 1-based): chr2:127,050,365, C>T on the plus strand (G>A on the coding strand, the complement: BIN1 is on the minus strand). VCF-style: chr2-127050365-C-T. GRCh37 (hg19) VCF-style: chr2-127807941-C-T.
Other names: c.1593+56G>A (NM_001320642.1); c.1050+56G>A (NM_001320634.1); c.1122+56G>A (NM_139351.3); c.1212+56G>A (NM_139350.3); c.1320+56G>A (NM_139349.3); c.1341+56G>A (NM_139348.3); c.1449+56G>A (NM_139347.3); c.1581+56G>A (NM_001320641.2); and 7 more.
Identifiers: ClinVar variation 678147 (VCV000678147.5), dbSNP rs7568161, ClinGen allele CA11125912.

ClinVar aggregate classification (germline): Benign. Review status: criteria provided, multiple submitters, no conflicts (2 of 4 stars). 3 submissions from 3 submitters: Benign (3). Last evaluated 2021-07-14.

Conditions:
Myopathy, centronuclear, 2 (CNM2). Also called: MYOTUBULAR MYOPATHY, AUTOSOMAL RECESSIVE. Identifiers: Orphanet 169186, MedGen CN031787, MONDO:0009709, OMIM 255200.

Allele frequency attached by ClinVar (database versions not stated): 1000 Genomes Project 30x 0.18598; TOPMed 0.19605; 1000 Genomes Project 0.18550; gnomAD 0.20707 and 0.20378.
gnomAD v4.1: 306,279 of 1,594,300 alleles (19%); highest among the groups gnomAD compares: African/African-American, 26%; 30,199 homozygotes.

Submissions (3):

Genome-Nilou Lab
Classification: Benign for Myopathy, centronuclear, 2. Last evaluated: 2021-07-14. Review status: criteria provided, single submitter. Criteria: ACMG Guidelines, 2015. Collection method: clinical testing. Allele origin: germline. Affected: no.

GeneDx
Classification: Benign. Last evaluated: 2018-06-19. Review status: criteria provided, single submitter. Criteria: GeneDx Variant Classification (06012015). Collection method: clinical testing. Allele origin: germline. Affected: yes.
Comment: This variant is considered likely benign or benign based on one or more of the following criteria: it is a conservative change, it occurs at a poorly conserved position in the protein, it is predicted to be benign by multiple in silico algorithms, and/or has population frequency not consistent with disease.

Breakthrough Genomics
Classification: Benign. Review status: criteria provided, single submitter. Criteria: ACMG Guidelines, 2015. Collection method: not provided. Allele origin: germline. Inheritance: Autosomal recessive inheritance. Affected: yes.